The following is an entry in ClinVar:

NM_001754.5(RUNX1):c.1092CGGCAT[3] (p.364IG[3])

Gene: RUNX1 (RUNX family transcription factor 1; minus strand). Cytogenetic location: 21q22.12.
Variant type: Microsatellite.
Coding change: c.1092CGGCAT[3] on transcript NM_001754.5 (MANE Select); three copies in a row of the 6-base unit CGGCAT starting at c.1092; the reference has two copies in a row; one copy, 6 bases duplicated.
Protein change: p.364IG[3].
Molecular consequence: inframe insertion.
Genome position (GRCh38, 1-based): chr21:34,792,475-34,792,480, ATGCCG duplicated on the plus strand (CGGCAT on the coding strand, the reverse complement: RUNX1 is on the minus strand); duplicating any 6 consecutive bases within chr21:34,792,475-34,792,491 gives the same sequence; the position shown is the placement nearest the transcript's 3' end. VCF-style (leftmost placement, unchanged base first): chr21-34792474-C-CATGCCG. GRCh37 (hg19) VCF-style: chr21-36164771-C-CATGCCG.
Other names: NM_001754.4(RUNX1):c.1098_1103dupCGGCAT; p.Ile366_Gly367dup; c.1011CGGCAT[3], p.337IG[3] (NM_001001890.3); c.1098_1103dupCGGCAT (NM_001754.4).
Identifiers: ClinVar variation 239040 (VCV000239040.24), dbSNP rs750495319, ClinGen allele CA10014201.

ClinVar aggregate classification (germline): Likely benign. Review status: reviewed by expert panel (3 of 4 stars). 7 submissions from 7 submitters: Likely benign (1). 6 of the submissions do not count toward it. Last evaluated 2021-02-20.

Conditions:
Hereditary thrombocytopenia and hematologic cancer predisposition syndrome. Identifiers: Orphanet 71290, MedGen CN281654, MONDO:0011071.
Inborn genetic diseases. Identifiers: MedGen C0950123, MeSH D030342.
Hereditary thrombocytopenia and hematological cancer predisposition syndrome associated with RUNX1. Also called: PLATELET DISORDER, ASPIRIN-LIKE; Familial Platelet Disorder with Propensity to Acute Myelogenous Leukemia; Familial thrombocytopenia with propensity to acute myelogenous leukemia; RUNX1 Familial Platelet Disorder with Associated Myeloid Malignancies. Identifiers: Orphanet 71290, MedGen C1832388, MeSH C563324, MONDO:0100083, OMIM 601399.

Submissions (7):

ClinGen Myeloid Malignancy Variant Curation Expert Panel
Classification: Likely benign for Hereditary thrombocytopenia and hematologic cancer predisposition syndrome. Last evaluated: 2021-02-20. Review status: reviewed by expert panel. Criteria: ClinGen MyeloMalig ACMG Specifications v2. Collection method: curation. Allele origin: germline. Inheritance: Autosomal dominant inheritance.
Comment: The NM_001754.5(RUNX1):c.1098_1103dup (p.Ile366_Gly367dup) variant has a highest MAF 0.0001618 (11 out of 67990 alleles) in European (non-Finnish) subpopulation of gnomAD v3.1 (BS1). In summary, the clinical significance of this variant is Likely Benign. ACMG/AMP criteria applied, as specified by the ClinGen Myeloid Malignancy Variant Curation Expert Panel for RUNX1: BS1.

Labcorp Genetics (formerly Invitae), Labcorp
Classification: Uncertain significance for Hereditary thrombocytopenia and hematological cancer predisposition syndrome associated with RUNX1. Last evaluated: 2025-11-01. Review status: criteria provided, single submitter. Criteria: Invitae Variant Classification Sherloc (09022015). Collection method: clinical testing. Allele origin: germline. Not counted in ClinVar's aggregate classification.
Comment: This variant, c.1098_1103dup, results in the insertion of 2 amino acid(s) of the RUNX1 protein (p.Ile366_Gly367dup), but otherwise preserves the integrity of the reading frame. This variant is present in population databases (rs750495319, gnomAD 0.02%). This variant has been observed in individual(s) with clinical features of familial platelet disorder with propensity to acute myelogenous leukemia and familial thrombocytopenia (PMID: 27210295, 28659335, 31704777). Experimental studies and prediction algorithms are not available or were not evaluated, and the functional significance of this variant is currently unknown. In summary, the available evidence is currently insufficient to determine the role of this variant in disease. Therefore, it has been classified as a Variant of Uncertain Significance.

CeGaT Center for Human Genetics Tuebingen
Classification: Likely benign. Last evaluated: 2025-08-01. Review status: criteria provided, single submitter. Criteria: CeGaT Center For Human Genetics Tuebingen Variant Classification Criteria Version 2. Collection method: clinical testing. Allele origin: germline. Affected: yes. Observed: 1 variant allele. Not counted in ClinVar's aggregate classification.
Comment: RUNX1: PM4, BS2

GeneDx
Classification: Uncertain significance. Last evaluated: 2025-07-31. Review status: criteria provided, single submitter. Criteria: GeneDx Variant Classification Process June 2021. Collection method: clinical testing. Allele origin: germline. Not counted in ClinVar's aggregate classification.
Comment: In-frame duplication of 2 amino acid(s) in a non-repeat region; Published functional studies suggest no damaging effect: demonstrated no significant impact on transcriptional activity (PMID: 34166225); Also reported as p.M368delinsIGM, c.1103_1104insCGGCAT; This variant is associated with the following publications: (PMID: 34426522, 29682723, 31704777, 28659335, 34166225)

Mayo Clinic Laboratories, Mayo Clinic
Classification: Likely benign. Last evaluated: 2025-03-17. Review status: criteria provided, single submitter. Criteria: ACMG Guidelines, 2015. Collection method: clinical testing. Allele origin: germline. Observed: 2 variant alleles. Not counted in ClinVar's aggregate classification.
Comment: BS1, PM4

Ambry Genetics
Classification: Uncertain significance for Inborn genetic diseases. Last evaluated: 2024-12-13. Review status: criteria provided, single submitter. Criteria: Ambry Variant Classification Scheme 2023. Collection method: clinical testing. Allele origin: germline. Not counted in ClinVar's aggregate classification.
Comment: The c.1098_1103dupCGGCAT variant (also known as p.I366_G367dup), located in coding exon 8 of the RUNX1 gene, results from an in-frame duplication of CGGCAT at nucleotide positions 1098 to 1103. This results in the duplication of 2 extra residues (IG) between codons 366 and 367. This variant was reported in individual(s) with a personal and/or family history of thrombocytopenia (Kanagal-Shamanna R et al. Haematologica, 2017 Oct;102:1661-1670; DiNardo CD et al. Cancer, 2018 Jul;124:2704-2713; Weinberg OK et al. Am J Clin Pathol, 2019 Aug;152:258-276; Karastaneva A et al. J Med Genet, 2020 Jun;57:427-433). These amino acid positions are highly conserved in available vertebrate species. In addition, the in silico prediction for this alteration is inconclusive (Choi Y et al. PLoS ONE. 2012; 7(10):e46688). Based on the available evidence, the clinical significance of this variant remains unclear.

PreventionGenetics, part of Exact Sciences
Classification: Uncertain significance. Last evaluated: 2016-11-23. Review status: criteria provided, single submitter. Criteria: ACMG Guidelines, 2015. Collection method: clinical testing. Allele origin: germline. Not counted in ClinVar's aggregate classification.

Literature cited by the submitters: PubMed 27210295 (cited by Labcorp Genetics (formerly Invitae), Labcorp and Mayo Clinic Laboratories, Mayo Clinic); PubMed 28659335 (cited by 3 submitters); PubMed 31704777 (cited by 3 submitters); PubMed 29682723 (cited by Mayo Clinic Laboratories, Mayo Clinic and Ambry Genetics); PubMed 34166225 (cited by Mayo Clinic Laboratories, Mayo Clinic); PubMed 31309983 (cited by Ambry Genetics).